The following is an entry in ClinVar:

NM_001365276.2(TNXB):c.4990+3G>A

Gene: TNXB (tenascin XB; minus strand). Cytogenetic location: 6p21.33.
Variant type: single nucleotide variant.
Coding change: c.4990+3G>A on transcript NM_001365276.2 (MANE Select); 3 bases into the intron after coding-DNA position 4990, G replaced by A.
Molecular consequence: intron variant.
Genome position (GRCh38, 1-based): chr6:32,071,987, C>T on the plus strand (G>A on the coding strand, the complement: TNXB is on the minus strand). VCF-style: chr6-32071987-C-T. GRCh37 (hg19) VCF-style: chr6-32039764-C-T.
Other names: c.4990+3G>A (NM_019105.8).
Identifiers: ClinVar variation 1744596 (VCV001744596.3), dbSNP rs1273441254, ClinGen allele CA566365910.

ClinVar aggregate classification (germline): Uncertain significance. Review status: criteria provided, multiple submitters, no conflicts (2 of 4 stars). 2 submissions from 2 submitters: Uncertain significance (2). Last evaluated 2025-12-01.

Conditions:
Cardiovascular phenotype. Identifiers: MedGen CN230736.

Allele frequency attached by ClinVar (database versions not stated): gnomAD exomes below 0.00001; TOPMed 0.00001; gnomAD 0.00002.
gnomAD v4.1: 6 of 1,590,940 alleles (0.00038%); highest among the groups gnomAD compares: Admixed American, 0.0034%; no homozygotes.

Submissions (2):

Women's Health and Genetics/Laboratory Corporation of America, LabCorp
Classification: Uncertain significance. Last evaluated: 2025-12-01. Review status: criteria provided, single submitter. Criteria: LabCorp Variant Classification Summary - May 2015. Collection method: clinical testing. Allele origin: germline.

Ambry Genetics
Classification: Uncertain significance for Cardiovascular phenotype. Last evaluated: 2020-03-25. Review status: criteria provided, single submitter. Criteria: Ambry Variant Classification Scheme 2023. Collection method: clinical testing. Allele origin: germline.
Comment: The c.4990+3G>A intronic variant results from a G to A substitution 3 nucleotides after coding exon 12 in the TNXB gene. This nucleotide position is not well conserved in available vertebrate species. Using the BDGP and ESEfinder splice site prediction tools, this alteration is not predicted to have any significant effect on this splice donor site; however, direct evidence is unavailable. Since supporting evidence is limited at this time, the clinical significance of this alteration remains unclear.